The following is an entry in ClinVar:

NM_006516.4(SLC2A1):c.1278+30_1278+31insCTCACCATTT

Gene: SLC2A1 (solute carrier family 2 member 1; minus strand). Cytogenetic location: 1p34.2.
Variant type: Insertion.
Coding change: c.1278+30_1278+31insCTCACCATTT on transcript NM_006516.4 (MANE Select); bases 30 to 31 of the intron after coding-DNA position 1278, CTCACCATTT inserted.
Molecular consequence: intron variant.
Genome position: GRCh38 VCF-style: chr1-42927574-G-GGGTGAGAAAT. GRCh37 (hg19) VCF-style: chr1-43393245-G-GGGTGAGAAAT.
Identifiers: ClinVar variation 1222935 (VCV001222935.5), dbSNP rs3831326, ClinGen allele CA803307.

ClinVar aggregate classification (germline): Benign. Review status: criteria provided, multiple submitters, no conflicts (2 of 4 stars). 2 submissions from 2 submitters: Benign (2). Last evaluated 2024-07-15.

Submissions (2):

Unidad de Genómica Garrahan, Hospital de Pediatría Garrahan
Classification: Benign. Last evaluated: 2024-07-15. Review status: criteria provided, single submitter. Criteria: ACMG Guidelines, 2015. Collection method: clinical testing. Allele origin: germline. Affected: no. Observed: 62 variant alleles.
Comment: This variant is classified as Benign based on local population frequency. This variant was detected in 67% of patients studied in a panel designed for Epileptic and Developmental Encephalopathy and Progressive Myoclonus Epilepsy. Number of patients: 62. Only high quality variants are reported.

GeneDx
Classification: Benign. Last evaluated: 2018-06-14. Review status: criteria provided, single submitter. Criteria: GeneDx Variant Classification Process June 2021. Collection method: clinical testing. Allele origin: germline. Affected: yes.